The following is an entry in ClinVar:

ClinVar aggregate classification (germline): Conflicting classifications of pathogenicity. Review status: criteria provided, conflicting classifications (1 of 4 stars). 3 submissions from 3 submitters: Likely pathogenic (2); Uncertain significance (1). Last evaluated 2025-09-04.

Conditions:
Alport syndrome. Also called: Hemorrhagic familial nephritis; Hemorrhagic hereditary nephritis; Congenital hereditary hematuria. Identifiers: Orphanet 63, MedGen C1567741, MONDO:0018965.
Autosomal recessive Alport syndrome (ATS2). Also called: ALPORT SYNDROME 2, AUTOSOMAL RECESSIVE; COL4A3-Related Nephropathy; COL4A4 Alport Syndrome and Thin Basement Membrane Nephropathy; Alport syndrome type 2. Identifiers: Orphanet 63, Orphanet 88919, MedGen C4746745, MONDO:0008762, OMIM 203780.

gnomAD v4.1: 1 of 1,613,836 alleles (0.000062%); highest among the groups gnomAD compares: Non-Finnish European, 0.000085%; no homozygotes.

Submissions (3):

Natera, Inc.
Classification: Likely pathogenic for Alport syndrome. Last evaluated: 2025-09-04. Review status: criteria provided, single submitter. Criteria: Natera Variant Classification Schema (03/2026). Collection method: clinical testing. Allele origin: germline.
Comment: The c.509G>A variant in COL4A4 is a missense variant predicted to cause substitution of glycine to glutamic acid at amino acid 170. This variant is rare in the general population with a frequency below the threshold expected for the associated phenotype(s). This variant is located in a functionally critical region of the protein. Computational prediction algorithms indicate this variant is likely to affect gene or protein function. Given the available evidence, this variant is classified as Likely Pathogenic.

Labcorp Genetics (formerly Invitae), Labcorp
Classification: Uncertain significance. Last evaluated: 2025-04-29. Review status: criteria provided, single submitter. Criteria: Invitae Variant Classification Sherloc (09022015). Collection method: clinical testing. Allele origin: germline.
Comment: This sequence change replaces glycine, which is neutral and non-polar, with glutamic acid, which is acidic and polar, at codon 170 of the COL4A4 protein (p.Gly170Glu). This variant is not present in population databases (gnomAD no frequency). This variant has not been reported in the literature in individuals affected with COL4A4-related conditions. ClinVar contains an entry for this variant (Variation ID: 3256897). Invitae Evidence Modeling of protein sequence and biophysical properties (such as structural, functional, and spatial information, amino acid conservation, physicochemical variation, residue mobility, and thermodynamic stability) indicates that this missense variant is expected to disrupt COL4A4 protein function with a positive predictive value of 95%. In summary, the available evidence is currently insufficient to determine the role of this variant in disease. Therefore, it has been classified as a Variant of Uncertain Significance.

MVZ Medizinische Genetik Mainz
Classification: Likely pathogenic for Autosomal recessive Alport syndrome. Last evaluated: 2024-07-12. Review status: criteria provided, single submitter. Criteria: UK Practice Guidelines For Variant Classification V4 01 2020. Collection method: clinical testing. Allele origin: germline. Inheritance: Autosomal dominant inheritance. Affected: yes. Observed: 1 variant allele.
Comment: ACMG Criteria: PM1_STR,PM2_SUP,PM5_SUP,PP3,PP4

NM_000092.5(COL4A4):c.509G>A (p.Gly170Glu)

Gene: COL4A4 (collagen type IV alpha 4 chain; minus strand). Cytogenetic location: 2q36.3.
Variant type: single nucleotide variant.
Coding change: c.509G>A on transcript NM_000092.5 (MANE Select); coding-DNA position 509, G replaced by A.
Protein change: p.Gly170Glu; replaces glycine 170 with glutamic acid.
Molecular consequence: missense variant.
Genome position (GRCh38, 1-based): chr2:227,114,677, C>T on the plus strand (G>A on the coding strand, the complement: COL4A4 is on the minus strand). VCF-style: chr2-227114677-C-T. GRCh37 (hg19) VCF-style: chr2-227979393-C-T.
Other names: short protein forms G170E.
Identifiers: ClinVar variation 3256897 (VCV003256897.3).
Genomic context (GRCh38, chr2:227,114,677, plus strand): 5'-ATAATACTTACCTGAATACCTTTAACGGCACCTAAAATGAACACTGAATTTCCTTTTTCT[C>T]CCTTTTCCCCAGGATGGCCCTGAAAATAAAATATGTATGTACTTAACAGGAAAATAGCAT-3'
Protein context (NP_000083.3, residues 160-180): GGPLGHPGEK[Gly170Glu]EKGNSVFILG